The following is an entry in ClinVar:

ClinVar aggregate classification (germline): Uncertain significance. Review status: criteria provided, multiple submitters, no conflicts (2 of 4 stars). 2 submissions from 2 submitters: Uncertain significance (2). Last evaluated 2024-05-30.

Conditions:
Inborn genetic diseases. Identifiers: MedGen C0950123, MeSH D030342.

Allele frequency attached by ClinVar (database versions not stated): ExAC 0.00001; gnomAD 0.00001; gnomAD exomes 0.00002 and 0.00003; TOPMed 0.00005.
gnomAD v4.1: 34 of 1,606,782 alleles (0.0021%); highest among the groups gnomAD compares: African/African-American, 0.011%; no homozygotes.

Submissions (2):

Ambry Genetics
Classification: Uncertain significance for Inborn genetic diseases. Last evaluated: 2024-05-30. Review status: criteria provided, single submitter. Criteria: Ambry Variant Classification Scheme 2023. Collection method: clinical testing. Allele origin: germline.

Labcorp Genetics (formerly Invitae), Labcorp
Classification: Uncertain significance. Last evaluated: 2023-11-27. Review status: criteria provided, single submitter. Criteria: Invitae Variant Classification Sherloc (09022015). Collection method: clinical testing. Allele origin: germline.
Comment: This sequence change replaces arginine, which is basic and polar, with cysteine, which is neutral and slightly polar, at codon 428 of the TIMM50 protein (p.Arg428Cys). This variant is present in population databases (rs746734633, gnomAD 0.01%). This variant has not been reported in the literature in individuals affected with TIMM50-related conditions. ClinVar contains an entry for this variant (Variation ID: 1370343). An algorithm developed to predict the effect of missense changes on protein structure and function (PolyPhen-2) suggests that this variant is likely to be disruptive. In summary, the available evidence is currently insufficient to determine the role of this variant in disease. Therefore, it has been classified as a Variant of Uncertain Significance.

NM_001001563.5(TIMM50):c.973C>T (p.Arg325Cys)

Gene: TIMM50 (translocase of inner mitochondrial membrane 50; plus strand). Cytogenetic location: 19q13.2.
Variant type: single nucleotide variant.
Coding change: c.973C>T on transcript NM_001001563.5 (MANE Select); coding-DNA position 973, C replaced by T.
Protein change: p.Arg325Cys; replaces arginine 325 with cysteine.
Molecular consequence: missense variant.
Genome position (GRCh38, 1-based): chr19:39,489,731, C>T. VCF-style: chr19-39489731-C-T. GRCh37 (hg19) VCF-style: chr19-39980371-C-T.
Other names: c.634C>T, p.Arg212Cys (NM_001329559.2); c.1282C>T (NM_001001563.1); short protein forms R212C, R325C.
Identifiers: ClinVar variation 1370343 (VCV001370343.5), dbSNP rs746734633, ClinGen allele CA9432043.